The following is an entry in ClinVar:

ClinVar aggregate classification (germline): Uncertain significance (1 of 4 stars; one submission).

Allele frequency attached by ClinVar (database versions not stated): gnomAD 0.00001; TOPMed 0.00002; gnomAD exomes 0.00004; ExAC 0.00005; ESP Exome Variant Server 0.00022.
gnomAD v4.1: 52 of 1,546,822 alleles (0.0034%); highest among the groups gnomAD compares: African/African-American, 0.0069%; no homozygotes.

Submission:

Ambry Genetics
Classification: Uncertain significance. Last evaluated: 2025-09-01. Review status: criteria provided, single submitter. Criteria: Ambry Variant Classification Scheme 2023. Collection method: clinical testing. Allele origin: germline.
Comment: The c.2561G>A (p.R854H) alteration is located in exon (coding exon ) of the PARG gene. This alteration results from a G to A substitution at nucleotide position 2561, causing the arginine (R) at amino acid position 854 to be replaced by a histidine (H). Based on insufficient or conflicting evidence, the clinical significance of this alteration remains unclear.

NM_003631.5(PARG):c.2561G>A (p.Arg854His)

Gene: PARG (poly(ADP-ribose) glycohydrolase; minus strand). Cytogenetic location: 10q11.23.
Variant type: single nucleotide variant.
Coding change: c.2561G>A on transcript NM_003631.5 (MANE Select); coding-DNA position 2561, G replaced by A.
Protein change: p.Arg854His; replaces arginine 854 with histidine.
Molecular consequence: missense variant. On other transcripts: non-coding transcript variant (7).
Genome position (GRCh38, 1-based): chr10:49,832,889, C>T on the plus strand (G>A on the coding strand, the complement: PARG is on the minus strand). VCF-style: chr10-49832889-C-T. GRCh37 (hg19) VCF-style: chr10-51040935-C-T.
Other names: c.2315G>A, p.Arg772His (NM_001303486.3, NM_001324381.3); c.2237G>A, p.Arg746His (NM_001303487.3); c.1319G>A, p.Arg440His (NM_001303489.3); short protein forms R772H, R854H, R440H, R746H.
Identifiers: ClinVar variation 2295823 (VCV002295823.3), dbSNP rs367672961, ClinGen allele CA5499126.
Genomic context (GRCh38, chr10:49,832,889, plus strand): 5'-GCACCACAGCCCCAGTTTCCTGTGGCCACTGCAGAAAGATTCTCTGAAGAAACTCCAGGA[C>T]GGAGAAATCCACAGTAAGCCTGCAGGATAAAAGAATTATCAAAGCCTGTGAGTGCCTAGA-3'
Protein context (NP_003622.2, residues 844-864): ELNKAYCGFL[Arg854His]PGVSSENLSA